The following is an entry in ClinVar:

ClinVar aggregate classification (germline): Uncertain significance. Review status: criteria provided, multiple submitters, no conflicts (2 of 4 stars). 2 submissions from 2 submitters: Uncertain significance (2). Last evaluated 2024-01-29.

Submissions (2):

Labcorp Genetics (formerly Invitae), Labcorp
Classification: Uncertain significance. Last evaluated: 2024-01-29. Review status: criteria provided, single submitter. Criteria: Invitae Variant Classification Sherloc (09022015). Collection method: clinical testing. Allele origin: germline.
Comment: This sequence change replaces leucine, which is neutral and non-polar, with isoleucine, which is neutral and non-polar, at codon 10 of the ZCCHC8 protein (p.Leu10Ile). The frequency data for this variant in the population databases is considered unreliable, as metrics indicate poor data quality at this position in the gnomAD database. This variant has not been reported in the literature in individuals affected with ZCCHC8-related conditions. ClinVar contains an entry for this variant (Variation ID: 2605141). Experimental studies and prediction algorithms are not available or were not evaluated, and the functional significance of this variant is currently unknown. In summary, the available evidence is currently insufficient to determine the role of this variant in disease. Therefore, it has been classified as a Variant of Uncertain Significance.

Ambry Genetics
Classification: Uncertain significance. Last evaluated: 2023-06-22. Review status: criteria provided, single submitter. Criteria: Ambry Variant Classification Scheme 2023. Collection method: clinical testing. Allele origin: germline.

NM_017612.5(ZCCHC8):c.28C>A (p.Leu10Ile)

Gene: ZCCHC8 (zinc finger CCHC-type containing 8; minus strand). Cytogenetic location: 12q24.31.
Variant type: single nucleotide variant.
Coding change: c.28C>A on transcript NM_017612.5 (MANE Select); coding-DNA position 28, C replaced by A.
Protein change: p.Leu10Ile; replaces leucine 10 with isoleucine.
Molecular consequence: missense variant. On other transcripts: 5 prime UTR variant (3).
Genome position (GRCh38, 1-based): chr12:122,500,813, G>T on the plus strand (C>A on the coding strand, the complement: ZCCHC8 is on the minus strand). VCF-style: chr12-122500813-G-T. GRCh37 (hg19) VCF-style: chr12-122985360-G-T.
Other names: c.28C>A, p.Leu10Ile (NM_001350935.2); c.-896C>A (NM_001350936.2); c.-517C>A (NM_001350937.2); c.-411C>A (NM_001350938.2); short protein forms L10I.
Identifiers: ClinVar variation 2605141 (VCV002605141.4), dbSNP rs1204279997, ClinGen allele CA482211036.
Genomic context (GRCh38, chr12:122,500,813, plus strand): 5'-GAGTGTGAACGGGCTTCGGAATCGACTCCTCTGGGTGGTCGAACGGCTCGAAGAGCTCTA[G>T]ATCGCCAAAATACACCTCTGCGGCCATTTTGGGCTGTGGAAAAGATTCGAGAAGAGGCGG-3'
Protein context (NP_060082.2, residues 1-20): MAAEVYFGD[Leu10Ile]ELFEPFDHPE